The following is an entry in ClinVar:

ClinVar aggregate classification (germline): Benign/Likely benign. Review status: criteria provided, multiple submitters, no conflicts (2 of 4 stars). 4 submissions from 4 submitters: Benign (2); Likely benign (2). Last evaluated 2018-06-13.

Conditions:
Autosomal recessive nonsyndromic hearing loss 8 (DFNB8). Also called: Deafness, autosomal recessive 10; NEUROSENSORY NONSYNDROMIC RECESSIVE DEAFNESS 8. Identifiers: Orphanet 90636, MedGen C1832827, MONDO:0010987, OMIM 601072.

Allele frequency attached by ClinVar (database versions not stated): ExAC 0.01733; gnomAD 0.04829 and 0.05210; ESP Exome Variant Server 0.05328; gnomAD exomes 0.01289; 1000 Genomes Project 30x 0.05278; TOPMed 0.05441; 1000 Genomes Project 0.04992.
gnomAD v4.1: 14,615 of 1,565,326 alleles (0.93%); highest among the groups gnomAD compares: African/African-American, 17%; 1,119 homozygotes.

Submissions (4):

GeneDx
Classification: Benign. Last evaluated: 2018-06-13. Review status: criteria provided, single submitter. Criteria: GeneDx Variant Classification (06012015). Collection method: clinical testing. Allele origin: germline. Affected: yes.
Comment: This variant is considered likely benign or benign based on one or more of the following criteria: it is a conservative change, it occurs at a poorly conserved position in the protein, it is predicted to be benign by multiple in silico algorithms, and/or has population frequency not consistent with disease.

Illumina Laboratory Services, Illumina
Classification: Likely benign for Autosomal recessive nonsyndromic hearing loss 8. Last evaluated: 2017-04-27. Review status: criteria provided, single submitter. Criteria: ICSL Variant Classification Criteria 13 December 2019. Collection method: clinical testing. Allele origin: germline.
Comment: This variant was observed as part of a predisposition screen in an ostensibly healthy population. A literature search was performed for the gene, cDNA change, and amino acid change (where applicable). No publications were found based on this search. Allele frequency data from public databases allowed determination this variant is unlikely to cause disease. Therefore, this variant is classified as likely benign.

Laboratory for Molecular Medicine, Mass General Brigham Personalized Medicine
Classification: Benign. Last evaluated: 2011-06-28. Review status: criteria provided, single submitter. Criteria: LMM Criteria. Collection method: clinical testing. Allele origin: germline. Observed: 1 variant allele.

Breakthrough Genomics
Classification: Likely benign. Review status: criteria provided, single submitter. Criteria: ACMG Guidelines, 2015. Collection method: not provided. Allele origin: germline. Inheritance: Autosomal recessive inheritance. Affected: yes.

NM_001256317.3(TMPRSS3):c.-34G>A

Gene: TMPRSS3 (transmembrane serine protease 3; minus strand). Cytogenetic location: 21q22.3.
Variant type: single nucleotide variant.
Coding change: c.-34G>A on transcript NM_001256317.3 (MANE Select); 34 bases upstream of the start codon, G replaced by A.
Molecular consequence: 5 prime UTR variant.
Genome position (GRCh38, 1-based): chr21:42,395,451, C>T on the plus strand (G>A on the coding strand, the complement: TMPRSS3 is on the minus strand). VCF-style: chr21-42395451-C-T. GRCh37 (hg19) VCF-style: chr21-43815560-C-T.
Other names: c.-34G>A (NM_024022.4, NM_032405.2).
Identifiers: ClinVar variation 46090 (VCV000046090.10), dbSNP rs73372256, ClinGen allele CA137668.